The following is an entry in ClinVar:

ClinVar aggregate classification (germline): Uncertain significance (1 of 4 stars; one submission).

Conditions:
Catecholaminergic polymorphic ventricular tachycardia 1. Also called: VENTRICULAR TACHYCARDIA, CATECHOLAMINERGIC POLYMORPHIC, 1, WITH OR WITHOUT ATRIAL DYSFUNCTION AND/OR DILATED CARDIOMYOPATHY; RYR2-Related Catecholaminergic Polymorphic Ventricular Tachycardia; VENTRICULAR TACHYCARDIA, STRESS-INDUCED POLYMORPHIC 1. Identifiers: Orphanet 3286, MedGen C1631597, MONDO:0011484, OMIM 604772.

gnomAD v4.1: 1 of 1,613,458 alleles (0.000062%); highest among the groups gnomAD compares: Non-Finnish European, 0.000085%; no homozygotes.

Submission:

Labcorp Genetics (formerly Invitae), Labcorp
Classification: Uncertain significance for Catecholaminergic polymorphic ventricular tachycardia 1. Last evaluated: 2025-11-12. Review status: criteria provided, single submitter. Criteria: Invitae Variant Classification Sherloc (09022015). Collection method: clinical testing. Allele origin: germline.
Comment: This sequence change creates a premature translational stop signal (p.Arg4843*) in the RYR2 gene. It is expected to result in an absent or disrupted protein product. However, the current clinical and genetic evidence is not sufficient to establish whether loss-of-function variants in RYR2 cause disease. This variant is not present in population databases (gnomAD no frequency). This variant has not been reported in the literature in individuals affected with RYR2-related conditions. In summary, the available evidence is currently insufficient to determine the role of this variant in disease. Therefore, it has been classified as a Variant of Uncertain Significance.

NM_001035.3(RYR2):c.14527C>T (p.Arg4843Ter)

Gene: RYR2 (ryanodine receptor 2; plus strand). Cytogenetic location: 1q43.
Variant type: single nucleotide variant.
Coding change: c.14527C>T on transcript NM_001035.3 (MANE Select); coding-DNA position 14527, C replaced by T.
Protein change: p.Arg4843Ter; replaces arginine 4843 with a stop codon.
Molecular consequence: nonsense.
Genome position (GRCh38, 1-based): chr1:237,819,129, C>T. VCF-style: chr1-237819129-C-T. GRCh37 (hg19) VCF-style: chr1-237982429-C-T.
Other names: short protein forms R4843*.
Identifiers: ClinVar variation 4750352 (VCV004750352.1).
Genomic context (GRCh38, chr1:237,819,129, plus strand): 5'-GCTGGAGGAGGGATCGGGGATGAAATCGAAGACCCAGCAGGAGATGAATATGAGATCTAT[C>T]GAATCATCTTTGACATCACTTTCTTCTTCTTTGTTATTGTCATTCTCTTGGCCATAATAC-3'